The following is an entry in ClinVar:

ClinVar aggregate classification (germline): Uncertain significance (1 of 4 stars; one submission).

Conditions:
Inborn genetic diseases. Identifiers: MedGen C0950123, MeSH D030342.

Submission:

Ambry Genetics
Classification: Uncertain significance for Inborn genetic diseases. Last evaluated: 2025-10-08. Review status: criteria provided, single submitter. Criteria: Ambry Variant Classification Scheme 2023. Collection method: clinical testing. Allele origin: germline.
Comment: The p.W416C variant (also known as c.1248G>C), located in coding exon 1 of the SAMD9L gene, results from a G to C substitution at nucleotide position 1248. The tryptophan at codon 416 is replaced by cysteine, an amino acid with highly dissimilar properties. This amino acid position is conserved. In addition, this alteration is predicted to be tolerated by in silico analysis. Based on the available evidence, the clinical significance of this variant remains unclear.

NM_152703.5(SAMD9L):c.1248G>C (p.Trp416Cys)

Gene: SAMD9L (sterile alpha motif domain containing 9 like; minus strand). Cytogenetic location: 7q21.2.
Variant type: single nucleotide variant.
Coding change: c.1248G>C on transcript NM_152703.5 (MANE Select); coding-DNA position 1248, G replaced by C.
Protein change: p.Trp416Cys; replaces tryptophan 416 with cysteine.
Molecular consequence: missense variant.
Genome position (GRCh38, 1-based): chr7:93,134,724, C>G on the plus strand (G>C on the coding strand, the complement: SAMD9L is on the minus strand). VCF-style: chr7-93134724-C-G. GRCh37 (hg19) VCF-style: chr7-92764037-C-G.
Other names: c.1248G>C, p.Trp416Cys (NM_001303496.3, NM_001303497.3, NM_001303498.3 and 5 more transcripts); short protein forms W416C.
Identifiers: ClinVar variation 4630045 (VCV004630045.1).